The following is an entry in ClinVar:

ClinVar aggregate classification (germline): Uncertain significance. Review status: criteria provided, multiple submitters, no conflicts (2 of 4 stars). 2 submissions from 2 submitters: Uncertain significance (2). Last evaluated 2024-01-16.

Conditions:
Inborn genetic diseases. Identifiers: MedGen C0950123, MeSH D030342.
Achondrogenesis, type IB (ACG1B). Also called: Achondrogenesis Type 1B. Identifiers: Orphanet 932, Orphanet 93298, MedGen C0265274, MONDO:0010966, OMIM 600972.
Multiple epiphyseal dysplasia type 4 (EDM4). Also called: SLC26A2-Related Multiple Epiphyseal Dysplasia; Multiple Epiphyseal Dysplasia, Recessive; MULTIPLE EPIPHYSEAL DYSPLASIA WITH BILAYERED PATELLAE; MULTIPLE EPIPHYSEAL DYSPLASIA WITH CLUBFOOT; MULTIPLE EPIPHYSEAL DYSPLASIA, AUTOSOMAL RECESSIVE. Identifiers: Orphanet 93307, MedGen C1847593, MONDO:0009189, OMIM 226900.
Atelosteogenesis type II (AO2). Also called: Neonatal osseous dysplasia 1; SLC26A2-Related Atelosteogenesis; NEONATAL OSSEOUS DYSPLASIA I. Identifiers: Orphanet 56304, MedGen C1850554, MONDO:0009727, OMIM 256050.
Diastrophic dysplasia (DTD). Also called: Diastrophic dwarfism. Identifiers: Orphanet 628, MedGen C0220726, MONDO:0009107, OMIM 222600.

gnomAD v4.1: 16 of 1,610,220 alleles (0.00099%); highest among the groups gnomAD compares: Non-Finnish European, 0.0012%; no homozygotes.

Submissions (2):

Ambry Genetics
Classification: Uncertain significance for Inborn genetic diseases. Last evaluated: 2024-01-16. Review status: criteria provided, single submitter. Criteria: Ambry Variant Classification Scheme 2023. Collection method: clinical testing. Allele origin: germline.

Labcorp Genetics (formerly Invitae), Labcorp
Classification: Uncertain significance for Atelosteogenesis type II; Multiple epiphyseal dysplasia type 4; Achondrogenesis, type IB; Diastrophic dysplasia. Last evaluated: 2022-06-22. Review status: criteria provided, single submitter. Criteria: Invitae Variant Classification Sherloc (09022015). Collection method: clinical testing. Allele origin: germline.
Comment: This sequence change replaces tyrosine, which is neutral and polar, with cysteine, which is neutral and slightly polar, at codon 232 of the SLC26A2 protein (p.Tyr232Cys). This variant is not present in population databases (gnomAD no frequency). This variant has not been reported in the literature in individuals affected with SLC26A2-related conditions. Advanced modeling of protein sequence and biophysical properties (such as structural, functional, and spatial information, amino acid conservation, physicochemical variation, residue mobility, and thermodynamic stability) performed at Invitae indicates that this missense variant is expected to disrupt SLC26A2 protein function. In summary, the available evidence is currently insufficient to determine the role of this variant in disease. Therefore, it has been classified as a Variant of Uncertain Significance.

NM_000112.4(SLC26A2):c.695A>G (p.Tyr232Cys)

Gene: SLC26A2 (solute carrier family 26 member 2; plus strand). Cytogenetic location: 5q32.
Variant type: single nucleotide variant.
Coding change: c.695A>G on transcript NM_000112.4 (MANE Select); coding-DNA position 695, A replaced by G.
Protein change: p.Tyr232Cys; replaces tyrosine 232 with cysteine.
Molecular consequence: missense variant.
Genome position (GRCh38, 1-based): chr5:149,978,347, A>G. VCF-style: chr5-149978347-A-G. GRCh37 (hg19) VCF-style: chr5-149357910-A-G.
Other names: short protein forms Y232C.
Identifiers: ClinVar variation 2164286 (VCV002164286.2), dbSNP rs75097996, ClinGen allele CA361705541.